The following is an entry in ClinVar:

ClinVar aggregate classification (germline): Uncertain significance. Review status: criteria provided, multiple submitters, no conflicts (2 of 4 stars). 2 submissions from 2 submitters: Uncertain significance (2). Last evaluated 2024-12-11.

Conditions:
Inborn genetic diseases. Identifiers: MedGen C0950123, MeSH D030342.

Submissions (2):

Ambry Genetics
Classification: Uncertain significance for Inborn genetic diseases. Last evaluated: 2024-12-11. Review status: criteria provided, single submitter. Criteria: Ambry Variant Classification Scheme 2023. Collection method: clinical testing. Allele origin: germline.

Labcorp Genetics (formerly Invitae), Labcorp
Classification: Uncertain significance. Last evaluated: 2022-08-13. Review status: criteria provided, single submitter. Criteria: Invitae Variant Classification Sherloc (09022015). Collection method: clinical testing. Allele origin: germline.
Comment: This sequence change replaces asparagine, which is neutral and polar, with serine, which is neutral and polar, at codon 2673 of the DMXL2 protein (p.Asn2673Ser). This variant is not present in population databases (gnomAD no frequency). This variant has not been reported in the literature in individuals affected with DMXL2-related conditions. Algorithms developed to predict the effect of missense changes on protein structure and function are either unavailable or do not agree on the potential impact of this missense change (SIFT: "Tolerated"; PolyPhen-2: "Probably Damaging"; Align-GVGD: "Class C0"). In summary, the available evidence is currently insufficient to determine the role of this variant in disease. Therefore, it has been classified as a Variant of Uncertain Significance.

NM_001378457.1(DMXL2):c.8081A>G (p.Asn2694Ser)

Gene: DMXL2 (Dmx like 2; minus strand). Cytogenetic location: 15q21.2.
Variant type: single nucleotide variant.
Coding change: c.8081A>G on transcript NM_001378457.1 (MANE Select); coding-DNA position 8081, A replaced by G.
Protein change: p.Asn2694Ser; replaces asparagine 2694 with serine.
Molecular consequence: missense variant. On other transcripts: non-coding transcript variant (2).
Genome position (GRCh38, 1-based): chr15:51,458,623, T>C on the plus strand (A>G on the coding strand, the complement: DMXL2 is on the minus strand). VCF-style: chr15-51458623-T-C. GRCh37 (hg19) VCF-style: chr15-51750820-T-C.
Other names: c.8018A>G, p.Asn2673Ser (NM_001174116.3); c.6107A>G, p.Asn2036Ser (NM_001174117.3); c.8078A>G, p.Asn2693Ser (NM_001378458.1); c.7793A>G, p.Asn2598Ser (NM_001378459.1); c.5996A>G, p.Asn1999Ser (NM_001378460.1); c.8015A>G, p.Asn2672Ser (NM_015263.5); c.8018A>G (NM_001174116.1); short protein forms N1999S, N2694S, N2693S, N2598S, N2673S, N2036S, N2672S.
Identifiers: ClinVar variation 1975036 (VCV001975036.3), dbSNP rs2039855695, ClinGen allele CA392437168.